The following is an entry in ClinVar:

NM_030665.4(RAI1):c.1610G>A (p.Gly537Asp)

Gene: RAI1 (retinoic acid induced 1; plus strand). Cytogenetic location: 17p11.2.
Variant type: single nucleotide variant.
Coding change: c.1610G>A on transcript NM_030665.4 (MANE Select); coding-DNA position 1610, G replaced by A.
Protein change: p.Gly537Asp; replaces glycine 537 with aspartic acid.
Molecular consequence: missense variant.
Genome position (GRCh38, 1-based): chr17:17,794,558, G>A. VCF-style: chr17-17794558-G-A. GRCh37 (hg19) VCF-style: chr17-17697872-G-A.
Other names: short protein forms G537D.
Identifiers: ClinVar variation 2717804 (VCV002717804.3), dbSNP rs2508576918, ClinGen allele CA398548806.

ClinVar aggregate classification (germline): Uncertain significance (1 of 4 stars; one submission).

Submission:

Labcorp Genetics (formerly Invitae), Labcorp
Classification: Uncertain significance. Last evaluated: 2025-09-13. Review status: criteria provided, single submitter. Criteria: Invitae Variant Classification Sherloc (09022015). Collection method: clinical testing. Allele origin: germline.
Comment: This sequence change replaces glycine, which is neutral and non-polar, with aspartic acid, which is acidic and polar, at codon 537 of the RAI1 protein (p.Gly537Asp). This variant is not present in population databases (gnomAD no frequency). This variant has not been reported in the literature in individuals affected with RAI1-related conditions. ClinVar contains an entry for this variant (Variation ID: 2717804). Invitae Evidence Modeling of protein sequence and biophysical properties (such as structural, functional, and spatial information, amino acid conservation, physicochemical variation, residue mobility, and thermodynamic stability) indicates that this missense variant is not expected to disrupt RAI1 protein function with a negative predictive value of 80%. In summary, the available evidence is currently insufficient to determine the role of this variant in disease. Therefore, it has been classified as a Variant of Uncertain Significance.